The following is an entry in ClinVar:

ClinVar aggregate classification (germline): Likely benign. Review status: criteria provided, single submitter (1 of 4 stars). 2 submissions from 2 submitters: Likely benign (1). 1 of the submissions does not count toward it. Last evaluated 2026-04-01.

Conditions:
ITPR3-related disorder. Also called: ITPR3-related condition.

Allele frequency attached by ClinVar (database versions not stated): ExAC 0.00043; 1000 Genomes Project 0.00080; ESP Exome Variant Server 0.00085; gnomAD 0.00093; 1000 Genomes Project 30x 0.00094; TOPMed 0.00126; gnomAD exomes 0.00130.
gnomAD v4.1: 2,067 of 1,614,150 alleles (0.13%); highest among the groups gnomAD compares: Non-Finnish European, 0.16%; 3 homozygotes.

Submissions (2):

CeGaT Center for Human Genetics Tuebingen
Classification: Likely benign. Last evaluated: 2026-04-01. Review status: criteria provided, single submitter. Criteria: CeGaT Center For Human Genetics Tuebingen Variant Classification Criteria Version 2. Collection method: clinical testing. Allele origin: germline. Affected: yes. Observed: 2 variant alleles.
Comment: ITPR3: BP4, BS1

PreventionGenetics, part of Exact Sciences
Classification: Likely benign for ITPR3-related condition. Last evaluated: 2019-04-09. Review status: no assertion criteria provided. Collection method: clinical testing. Allele origin: germline. Not counted in ClinVar's aggregate classification.
Comment: This variant is classified as likely benign based on ACMG/AMP sequence variant interpretation guidelines (Richards et al. 2015 PMID: 25741868, with internal and published modifications).

NM_002224.4(ITPR3):c.5382G>A (p.Lys1794=)

Gene: ITPR3 (inositol 1,4,5-trisphosphate receptor type 3; plus strand). Cytogenetic location: 6p21.31.
Variant type: single nucleotide variant.
Coding change: c.5382G>A on transcript NM_002224.4 (MANE Select); coding-DNA position 5382, G replaced by A.
Protein change: p.Lys1794=; no amino-acid change (lysine 1794 retained).
Molecular consequence: synonymous variant.
Genome position (GRCh38, 1-based): chr6:33,685,433, G>A. VCF-style: chr6-33685433-G-A. GRCh37 (hg19) VCF-style: chr6-33653210-G-A.
Other names: c.5382G>A (NM_002224.3).
Identifiers: ClinVar variation 2656500 (VCV002656500.25), dbSNP rs144430418, ClinGen allele CA3761545.